The following is an entry in ClinVar:

ClinVar aggregate classification (germline): Uncertain significance (1 of 4 stars; one submission).

Submission:

Women's Health and Genetics/Laboratory Corporation of America, LabCorp
Classification: Uncertain significance. Last evaluated: 2025-04-09. Review status: criteria provided, single submitter. Criteria: LabCorp Variant Classification Summary - May 2015. Collection method: clinical testing. Allele origin: germline.
Comment: Variant summary: ZSWIM6 c.1678C>G (p.Pro560Ala) results in a non-conservative amino acid change in the encoded protein sequence. Four of five in-silico tools predict a damaging effect of the variant on protein function. The variant was absent in 157836 control chromosomes. The available data on variant occurrences in the general population are insufficient to allow any conclusion about variant significance. To our knowledge, no occurrence of c.1678C>G in individuals affected with ZSWIM6-Related Disorders and no experimental evidence demonstrating its impact on protein function have been reported. No submitters have cited clinical-significance assessments for this variant to ClinVar. Based on the evidence outlined above, the variant was classified as uncertain significance.

NM_020928.2(ZSWIM6):c.1678C>G (p.Pro560Ala)

Gene: ZSWIM6 (zinc finger SWIM-type containing 6; plus strand). Cytogenetic location: 5q12.1.
Variant type: single nucleotide variant.
Coding change: c.1678C>G on transcript NM_020928.2 (MANE Select); coding-DNA position 1678, C replaced by G.
Protein change: p.Pro560Ala; replaces proline 560 with alanine.
Molecular consequence: missense variant.
Genome position (GRCh38, 1-based): chr5:61,525,964, C>G. VCF-style: chr5-61525964-C-G. GRCh37 (hg19) VCF-style: chr5-60821791-C-G.
Other names: short protein forms P560A.
Identifiers: ClinVar variation 3896386 (VCV003896386.2).